The following is an entry in ClinVar:

NM_014974.3(DIP2C):c.3984C>A (p.Asp1328Glu)

Gene: DIP2C (DIP2 acetate--CoA ligase C (putative); minus strand). Cytogenetic location: 10p15.3.
Variant type: single nucleotide variant.
Coding change: c.3984C>A on transcript NM_014974.3 (MANE Select); coding-DNA position 3984, C replaced by A.
Protein change: p.Asp1328Glu; replaces aspartic acid 1328 with glutamic acid.
Molecular consequence: missense variant.
Genome position (GRCh38, 1-based): chr10:310,033, G>T on the plus strand (C>A on the coding strand, the complement: DIP2C is on the minus strand). VCF-style: chr10-310033-G-T. GRCh37 (hg19) VCF-style: chr10-355973-G-T.
Other names: short protein forms D1328E.
Identifiers: ClinVar variation 4724919 (VCV004724919.1).
Genomic context (GRCh38, chr10:310,033, plus strand): 5'-AGGCCGCAGAACAAAACAAAAAAAGGAAAAAAAGAAAAAACCCAGAAGTGTACAGTACCT[G>T]TCGTGTCTCAGGGCTCTCATGTCCACGTAGACAGTGGTTGGGTCAGGTCCTGAGGTTCCC-3'
Protein context (NP_055789.1, residues 1318-1338): VYVDMRALRH[Asp1328Glu]RVRLVERGSP

ClinVar aggregate classification (germline): Uncertain significance (1 of 4 stars; one submission).

Submission:

Labcorp Genetics (formerly Invitae), Labcorp
Classification: Uncertain significance. Last evaluated: 2026-01-05. Review status: criteria provided, single submitter. Criteria: Invitae Variant Classification Sherloc (09022015). Collection method: clinical testing. Allele origin: germline.
Comment: This sequence change replaces aspartic acid, which is acidic and polar, with glutamic acid, which is acidic and polar, at codon 1328 of the DIP2C protein (p.Asp1328Glu). This variant is not present in population databases (gnomAD no frequency). This variant has not been reported in the literature in individuals affected with DIP2C-related conditions. An algorithm developed to predict the effect of missense changes on protein structure and function (PolyPhen-2) suggests that this variant is likely to be disruptive. In summary, the available evidence is currently insufficient to determine the role of this variant in disease. Therefore, it has been classified as a Variant of Uncertain Significance.